The following is an entry in ClinVar:

ClinVar aggregate classification (germline): Likely benign. Review status: criteria provided, multiple submitters, no conflicts (2 of 4 stars). 5 submissions from 5 submitters: Likely benign (5). Last evaluated 2026-01-04.

Conditions:
Familial hypercholesterolemia. Also called: Familial hypercholesterolemias; Familial hypercholesterolaemia. Identifiers: MedGen C0020445, MONDO:0005439.
Cardiovascular phenotype. Identifiers: MedGen CN230736.
Hypercholesterolemia, autosomal dominant, 3 (FHCL3). Also called: Familial Hypercholesterolemia, Autosomal Dominant, 3; PCSK9-Related Familial Hypercholesterolemia, Autosomal Dominant; Familial hypercholesterolemia 3. Identifiers: MedGen C1863551, MONDO:0011369, OMIM 603776.

Allele frequency attached by ClinVar (database versions not stated): gnomAD exomes 0.00002; TOPMed 0.00002.
gnomAD v4.1: 32 of 1,613,832 alleles (0.002%); highest among the groups gnomAD compares: East Asian, 0.0022%; no homozygotes.

Submissions (5):

Labcorp Genetics (formerly Invitae), Labcorp
Classification: Likely benign for Hypercholesterolemia, autosomal dominant, 3. Last evaluated: 2026-01-04. Review status: criteria provided, single submitter. Criteria: Invitae Variant Classification Sherloc (09022015). Collection method: clinical testing. Allele origin: germline.

Women's Health and Genetics/Laboratory Corporation of America, LabCorp
Classification: Likely benign. Last evaluated: 2025-06-26. Review status: criteria provided, single submitter. Criteria: LabCorp Variant Classification Summary - May 2015. Collection method: clinical testing. Allele origin: germline.

All of Us Research Program, National Institutes of Health
Classification: Likely benign for Hypercholesterolemia, autosomal dominant, 3. Last evaluated: 2024-07-20. Review status: criteria provided, single submitter. Criteria: ACMG Guidelines, 2015. Collection method: clinical testing. Allele origin: germline. Inheritance: Autosomal dominant inheritance. Observed: 2 variant alleles, 2 heterozygotes.
Comment: This study involves interpretation of variants in research participants for the purpose of population health screening. Participant phenotype was not available at the time of variant classification. Additional details can be found in publication PMID: 35346344, PMCID: PMC8962531

Ambry Genetics
Classification: Likely benign for Cardiovascular phenotype. Last evaluated: 2021-07-18. Review status: criteria provided, single submitter. Criteria: Ambry Variant Classification Scheme 2023. Collection method: clinical testing. Allele origin: germline.

Color Diagnostics, LLC DBA Color Health
Classification: Likely benign for Familial hypercholesterolemias. Last evaluated: 2018-10-18. Review status: criteria provided, single submitter. Criteria: ACMG Guidelines, 2015. Collection method: clinical testing. Allele origin: germline.

NM_174936.4(PCSK9):c.588C>T (p.Ile196=)

Gene: PCSK9 (proprotein convertase subtilisin/kexin type 9; plus strand). Cytogenetic location: 1p32.3.
Variant type: single nucleotide variant.
Coding change: c.588C>T on transcript NM_174936.4 (MANE Select); coding-DNA position 588, C replaced by T.
Protein change: p.Ile196=; no amino-acid change (isoleucine 196 retained).
Molecular consequence: synonymous variant. On other transcripts: non-coding transcript variant (8).
Genome position (GRCh38, 1-based): chr1:55,052,342, C>T. VCF-style: chr1-55052342-C-T. GRCh37 (hg19) VCF-style: chr1-55518015-C-T.
Other names: c.711C>T, p.Ile237= (NM_001407240.1); c.588C>T, p.Ile196= (NM_001407241.1, NM_001407242.1, NM_001407244.1 and 1 more transcripts); c.531C>T, p.Ile177= (NM_001407243.1); c.396C>T, p.Ile132= (NM_001407245.1); c.213C>T, p.Ile71= (NM_001407246.1).
Identifiers: ClinVar variation 630402 (VCV000630402.11), dbSNP rs762910129, ClinGen allele CA22759801.